The following is an entry in ClinVar:

NM_005560.6(LAMA5):c.2407G>A (p.Val803Met)

Gene: LAMA5 (laminin subunit alpha 5; minus strand). Cytogenetic location: 20q13.33.
Variant type: single nucleotide variant.
Coding change: c.2407G>A on transcript NM_005560.6 (MANE Select); coding-DNA position 2407, G replaced by A.
Protein change: p.Val803Met; replaces valine 803 with methionine.
Molecular consequence: missense variant.
Genome position (GRCh38, 1-based): chr20:62,335,096, C>T on the plus strand (G>A on the coding strand, the complement: LAMA5 is on the minus strand). VCF-style: chr20-62335096-C-T. GRCh37 (hg19) VCF-style: chr20-60910152-C-T.
Other names: c.2407G>A (NM_005560.3); short protein forms V803M.
Identifiers: ClinVar variation 1934557 (VCV001934557.7), dbSNP rs202214661, ClinGen allele CA9943448.
Genomic context (GRCh38, chr20:62,335,096, plus strand): 5'-AGTCAGCCTGATCCAGTCCAAAGAAGCCATCCTTGCAGGACGCGCAGGCCTGGCCGCACA[C>T]GTGGGGCTTGCAGAAGCACTGGCCGGTGCCCTGGGGGCCAAGGGAGGAGGTGAAGTGGGG-3'
Protein context (NP_005551.3, residues 793-813): GTGQCFCKPH[Val803Met]CGQACASCKD

ClinVar aggregate classification (germline): Uncertain significance. Review status: criteria provided, multiple submitters, no conflicts (2 of 4 stars). 2 submissions from 2 submitters: Uncertain significance (2). Last evaluated 2025-04-25.

Conditions:
Inborn genetic diseases. Identifiers: MedGen C0950123, MeSH D030342.

Allele frequency attached by ClinVar (database versions not stated): gnomAD 0.00004; ExAC 0.00003; TOPMed 0.00005; 1000 Genomes Project 0.00020; gnomAD exomes 0.00001; 1000 Genomes Project 30x 0.00016.

Submissions (2):

Ambry Genetics
Classification: Uncertain significance for Inborn genetic diseases. Last evaluated: 2025-04-25. Review status: criteria provided, single submitter. Criteria: Ambry Variant Classification Scheme 2023. Collection method: clinical testing. Allele origin: germline.

Labcorp Genetics (formerly Invitae), Labcorp
Classification: Uncertain significance. Last evaluated: 2021-12-27. Review status: criteria provided, single submitter. Criteria: Invitae Variant Classification Sherloc (09022015). Collection method: clinical testing. Allele origin: germline.
Comment: Algorithms developed to predict the effect of missense changes on protein structure and function are either unavailable or do not agree on the potential impact of this missense change (SIFT: "Deleterious"; PolyPhen-2: "Probably Damaging"; Align-GVGD: "Class C0"). This sequence change replaces valine, which is neutral and non-polar, with methionine, which is neutral and non-polar, at codon 803 of the LAMA5 protein (p.Val803Met). This variant is present in population databases (rs202214661, gnomAD 0.04%). This variant has not been reported in the literature in individuals affected with LAMA5-related conditions. In summary, the available evidence is currently insufficient to determine the role of this variant in disease. Therefore, it has been classified as a Variant of Uncertain Significance.